The following is an entry in ClinVar:

NM_001330078.2(NRXN1):c.1532C>T (p.Thr511Ile)

Gene: NRXN1 (neurexin 1; minus strand). Cytogenetic location: 2p16.3.
Variant type: single nucleotide variant.
Coding change: c.1532C>T on transcript NM_001330078.2 (MANE Select); coding-DNA position 1532, C replaced by T.
Protein change: p.Thr511Ile; replaces threonine 511 with isoleucine.
Molecular consequence: missense variant.
Genome position (GRCh38, 1-based): chr2:50,552,814, G>A on the plus strand (C>T on the coding strand, the complement: NRXN1 is on the minus strand). VCF-style: chr2-50552814-G-A. GRCh37 (hg19) VCF-style: chr2-50779952-G-A.
Other names: c.1652C>T, p.Thr551Ile (NM_001135659.3); c.1508C>T, p.Thr503Ile (NM_001330077.2, NM_001330082.2, NM_001330095.2); c.1493C>T, p.Thr498Ile (NM_001330083.2, NM_001330084.2); c.1532C>T, p.Thr511Ile (NM_001330085.2, NM_001330086.2, NM_004801.6); c.1448C>T, p.Thr483Ile (NM_001330087.2, NM_001330096.2); c.1478C>T, p.Thr493Ile (NM_001330088.2); c.1529C>T, p.Thr510Ile (NM_001330093.2); c.1520C>T, p.Thr507Ile (NM_001330094.2); short protein forms T493I, T498I, T551I, T483I, T507I, T511I, T503I, T510I.
Identifiers: ClinVar variation 937087 (VCV000937087.9), dbSNP rs1667724152, ClinGen allele CA346773595.
Genomic context (GRCh38, chr2:50,552,814, plus strand): 5'-TTGGCATCTTTCTGATGTCTTGGCTTGCCATGGCTAAATAAGATGAGGCCATTTGGCTCT[G>A]TTGTACGGAAATCAAATGATATGGAGCCAGTTTTCTTTGCATTCCATTTAGGCAAAGAGA-3'
Protein context (NP_001317007.1, residues 501-521): TGSISFDFRT[Thr511Ile]EPNGLILFSH

ClinVar aggregate classification (germline): Uncertain significance (1 of 4 stars; one submission).

Conditions:
Pitt-Hopkins-like syndrome 2 (PTHSL2). Identifiers: Orphanet 221150, Orphanet 600663, MedGen C3280479, MONDO:0013690, OMIM 614325.

Allele frequency attached by ClinVar (database versions not stated): gnomAD exomes below 0.00001.
gnomAD v4.1: 2 of 1,613,930 alleles (0.00012%); highest among the groups gnomAD compares: African/African-American, 0.0013%; no homozygotes.

Submission:

Labcorp Genetics (formerly Invitae), Labcorp
Classification: Uncertain significance for Pitt-Hopkins-like syndrome 2. Last evaluated: 2022-07-26. Review status: criteria provided, single submitter. Criteria: Invitae Variant Classification Sherloc (09022015). Collection method: clinical testing. Allele origin: germline.
Comment: ClinVar contains an entry for this variant (Variation ID: 937087). In summary, the available evidence is currently insufficient to determine the role of this variant in disease. Therefore, it has been classified as a Variant of Uncertain Significance. Algorithms developed to predict the effect of missense changes on protein structure and function are either unavailable or do not agree on the potential impact of this missense change (SIFT: "Deleterious"; PolyPhen-2: "Probably Damaging"; Align-GVGD: "Class C0"). This variant has not been reported in the literature in individuals affected with NRXN1-related conditions. This variant is not present in population databases (gnomAD no frequency). This sequence change replaces threonine, which is neutral and polar, with isoleucine, which is neutral and non-polar, at codon 551 of the NRXN1 protein (p.Thr551Ile).